The following is an entry in ClinVar:

ClinVar aggregate classification (germline): Uncertain significance (1 of 4 stars; one submission).

Conditions:
Inborn genetic diseases. Identifiers: MedGen C0950123, MeSH D030342.

Allele frequency attached by ClinVar (database versions not stated): gnomAD exomes below 0.00001.

Submission:

Ambry Genetics
Classification: Uncertain significance for Inborn genetic diseases. Last evaluated: 2024-04-20. Review status: criteria provided, single submitter. Criteria: Ambry Variant Classification Scheme 2023. Collection method: clinical testing. Allele origin: germline.
Comment: The p.M1719L variant (also known as c.5155A>T), located in coding exon 35 of the LRRK2 gene, results from an A to T substitution at nucleotide position 5155. The methionine at codon 1719 is replaced by leucine, an amino acid with highly similar properties. This amino acid position is conserved. In addition, this alteration is predicted to be tolerated by in silico analysis. Since supporting evidence is limited at this time, the clinical significance of this alteration remains unclear.

NM_198578.4(LRRK2):c.5155A>T (p.Met1719Leu)

Gene: LRRK2 (leucine rich repeat kinase 2; plus strand). Cytogenetic location: 12q12.
Variant type: single nucleotide variant.
Coding change: c.5155A>T on transcript NM_198578.4 (MANE Select); coding-DNA position 5155, A replaced by T.
Protein change: p.Met1719Leu; replaces methionine 1719 with leucine.
Molecular consequence: missense variant.
Genome position (GRCh38, 1-based): chr12:40,321,173, A>T. VCF-style: chr12-40321173-A-T. GRCh37 (hg19) VCF-style: chr12-40714975-A-T.
Other names: short protein forms M1719L.
Identifiers: ClinVar variation 1745688 (VCV001745688.3), dbSNP rs2499879000, ClinGen allele CA384420111.